The following is an entry in ClinVar:

NM_006158.5(NEFL):c.235A>G (p.Ile79Val)

Gene: NEFL (neurofilament light chain; minus strand). Cytogenetic location: 8p21.2.
Variant type: single nucleotide variant.
Coding change: c.235A>G on transcript NM_006158.5 (MANE Select); coding-DNA position 235, A replaced by G.
Protein change: p.Ile79Val; replaces isoleucine 79 with valine.
Molecular consequence: missense variant.
Genome position (GRCh38, 1-based): chr8:24,956,281, T>C on the plus strand (A>G on the coding strand, the complement: NEFL is on the minus strand). VCF-style: chr8-24956281-T-C. GRCh37 (hg19) VCF-style: chr8-24813795-T-C.
Other names: short protein forms I79V.
Identifiers: ClinVar variation 916806 (VCV000916806.4), dbSNP rs765260132, ClinGen allele CA4681532.

ClinVar aggregate classification (germline): Uncertain significance. Review status: criteria provided, multiple submitters, no conflicts (2 of 4 stars). 2 submissions from 2 submitters: Uncertain significance (2). Last evaluated 2023-05-14.

Conditions:
Charcot-Marie-Tooth disease. Also called: Charcot-Marie-Tooth Hereditary Neuropathy; Charcot-Marie-Tooth Neuropathy. Identifiers: Orphanet 166, MedGen C0007959, MONDO:0015626.
Charcot-Marie-Tooth disease type 2E (CMT2E). Also called: CHARCOT-MARIE-TOOTH DISEASE, AXONAL, TYPE 2E; CHARCOT-MARIE-TOOTH NEUROPATHY, TYPE 2E. Identifiers: Orphanet 99939, MedGen C1843225, MONDO:0011894, OMIM 607684.

Allele frequency attached by ClinVar (database versions not stated): TOPMed below 0.00001; gnomAD 0.00001; gnomAD exomes 0.00001 and 0.00002; ExAC 0.00002.
gnomAD v4.1: 24 of 1,611,642 alleles (0.0015%); highest among the groups gnomAD compares: Non-Finnish European, 0.002%; no homozygotes.

Submissions (2):

Labcorp Genetics (formerly Invitae), Labcorp
Classification: Uncertain significance for Charcot-Marie-Tooth disease type 2E. Last evaluated: 2023-05-14. Review status: criteria provided, single submitter. Criteria: Invitae Variant Classification Sherloc (09022015). Collection method: clinical testing. Allele origin: germline.
Comment: In summary, the available evidence is currently insufficient to determine the role of this variant in disease. Therefore, it has been classified as a Variant of Uncertain Significance. Advanced modeling of protein sequence and biophysical properties (such as structural, functional, and spatial information, amino acid conservation, physicochemical variation, residue mobility, and thermodynamic stability) performed at Invitae indicates that this missense variant is not expected to disrupt NEFL protein function. ClinVar contains an entry for this variant (Variation ID: 916806). This missense change has been observed in individual(s) with Charcot-Marie-Tooth disease (PMID: 32376792). This variant is present in population databases (rs765260132, gnomAD 0.003%). This sequence change replaces isoleucine, which is neutral and non-polar, with valine, which is neutral and non-polar, at codon 79 of the NEFL protein (p.Ile79Val).

Molecular Genetics Laboratory, London Health Sciences Centre
Classification: Uncertain significance for Charcot-Marie-Tooth disease. Review status: criteria provided, single submitter. Criteria: ACMG Guidelines, 2015. Collection method: clinical testing. Allele origin: germline. Affected: yes.

Literature cited by the submitters: PubMed 32376792 (cited by Labcorp Genetics (formerly Invitae), Labcorp).